The following is an entry in ClinVar:

ClinVar aggregate classification (germline): Likely pathogenic (1 of 4 stars; one submission).

Submission:

Centre of Medical Genetics, University Hospital Muenster
Classification: Likely pathogenic. Last evaluated: 2025-07-31. Review status: criteria provided, single submitter. Criteria: ACMG Guidelines, 2015. Collection method: clinical testing. Allele origin: unknown. Affected: yes. Observed: 1 variant allele, 1 heterozygote.
Comment: ACMG categories: PM2_sup,PM5_sup,PP2,PP3_mod,PP4

NM_000088.4(COL1A1):c.2228G>A (p.Gly743Asp)

Gene: COL1A1 (collagen type I alpha 1 chain; minus strand). Cytogenetic location: 17q21.33.
Variant type: single nucleotide variant.
Coding change: c.2228G>A on transcript NM_000088.4 (MANE Select); coding-DNA position 2228, G replaced by A.
Protein change: p.Gly743Asp; replaces glycine 743 with aspartic acid.
Molecular consequence: missense variant.
Genome position (GRCh38, 1-based): chr17:50,191,390, C>T on the plus strand (G>A on the coding strand, the complement: COL1A1 is on the minus strand). VCF-style: chr17-50191390-C-T. GRCh37 (hg19) VCF-style: chr17-48268751-C-T.
Other names: short protein forms G743D.
Identifiers: ClinVar variation 4526374 (VCV004526374.1).
Genomic context (GRCh38, chr17:50,191,390, plus strand): 5'-AGGCAGAGATGGGAGCCATGTAGGGCTCAGGGGAGGGGGAAGGTTGAACTTACTCTGTCA[C>T]CCTTAGGCCCTGGAAGACCAGCTGCACCACGTTCACCAGGCATTCCCTGAAGGCCAGGGG-3'
Protein context (NP_000079.2, residues 733-753): RGAAGLPGPK[Gly743Asp]DRGDAGPKGA